The following is an entry in ClinVar:

ClinVar aggregate classification (germline): Benign/Likely benign. Review status: criteria provided, multiple submitters, no conflicts (2 of 4 stars). 8 submissions from 7 submitters: Benign (2); Likely benign (5). 1 of the submissions does not count toward it. Last evaluated 2025-05-11.

Conditions:
NOTCH1-related disorder. Also called: NOTCH1-related condition; NOTCH1-related disorders.
Aortic valve disease 1 (AOVD1). Identifiers: MedGen C3887892, MONDO:0024523, OMIM 109730.
Adams-Oliver syndrome 5 (AOS5). Identifiers: Orphanet 974, MedGen C4014970, MONDO:0014459, OMIM 616028.
Familial thoracic aortic aneurysm and aortic dissection (TAAD). Also called: Thoracic aortic aneurysms and dissections. Identifiers: Orphanet 91387, MedGen C4707243, MONDO:0019625.

Allele frequency attached by ClinVar (database versions not stated): gnomAD 0.00002 and 0.00003; TOPMed 0.00005; ESP Exome Variant Server 0.00008; ExAC 0.00011.
gnomAD v4.1: 145 of 1,610,328 alleles (0.009%); highest among the groups gnomAD compares: South Asian, 0.024%; no homozygotes.

Submissions (8):

Labcorp Genetics (formerly Invitae), Labcorp
Classification: Likely benign for Adams-Oliver syndrome 5. Last evaluated: 2025-05-11. Review status: criteria provided, single submitter. Criteria: Invitae Variant Classification Sherloc (09022015). Collection method: clinical testing. Allele origin: germline.

CeGaT Center for Human Genetics Tuebingen
Classification: Likely benign. Last evaluated: 2025-03-01. Review status: criteria provided, single submitter. Criteria: CeGaT Center For Human Genetics Tuebingen Variant Classification Criteria Version 2. Collection method: clinical testing. Allele origin: germline. Affected: yes. Observed: 1 variant allele.
Comment: NOTCH1: BP4, BP7

Genome-Nilou Lab
Classification: Benign for Adams-Oliver syndrome 5. Last evaluated: 2022-03-15. Review status: criteria provided, single submitter. Criteria: ACMG Guidelines, 2015. Collection method: clinical testing. Allele origin: germline. Affected: no.

Genome-Nilou Lab
Classification: Benign for Aortic valve disease 1. Last evaluated: 2022-03-15. Review status: criteria provided, single submitter. Criteria: ACMG Guidelines, 2015. Collection method: clinical testing. Allele origin: germline. Affected: no.

Blueprint Genetics
Classification: Likely benign. Last evaluated: 2021-09-21. Review status: criteria provided, single submitter. Criteria: ACMG Guidelines, 2015. Collection method: clinical testing. Allele origin: germline.

GeneDx
Classification: Likely benign. Last evaluated: 2017-03-01. Review status: criteria provided, single submitter. Criteria: GeneDx Variant Classification (06012015). Collection method: clinical testing. Allele origin: germline. Affected: yes.
Comment: This variant is considered likely benign or benign based on one or more of the following criteria: it is a conservative change, it occurs at a poorly conserved position in the protein, it is predicted to be benign by multiple in silico algorithms, and/or has population frequency not consistent with disease.

Ambry Genetics
Classification: Likely benign for Familial thoracic aortic aneurysm and aortic dissection. Last evaluated: 2016-09-02. Review status: criteria provided, single submitter. Criteria: Ambry Variant Classification Scheme 2023. Collection method: clinical testing. Allele origin: germline.

PreventionGenetics, part of Exact Sciences
Classification: Likely benign for NOTCH1-related condition. Last evaluated: 2019-06-13. Review status: no assertion criteria provided. Collection method: clinical testing. Allele origin: germline. Not counted in ClinVar's aggregate classification.
Comment: This variant is classified as likely benign based on ACMG/AMP sequence variant interpretation guidelines (Richards et al. 2015 PMID: 25741868, with internal and published modifications).

NM_017617.5(NOTCH1):c.4326G>A (p.Pro1442=)

Gene: NOTCH1 (notch receptor 1; minus strand). Cytogenetic location: 9q34.3.
Variant type: single nucleotide variant.
Coding change: c.4326G>A on transcript NM_017617.5 (MANE Select); coding-DNA position 4326, G replaced by A.
Protein change: p.Pro1442=; no amino-acid change (proline 1442 retained).
Molecular consequence: synonymous variant.
Genome position (GRCh38, 1-based): chr9:136,505,570, C>T on the plus strand (G>A on the coding strand, the complement: NOTCH1 is on the minus strand). VCF-style: chr9-136505570-C-T. GRCh37 (hg19) VCF-style: chr9-139400022-C-T.
Other names: c.4326G>A (NM_017617.4); c.4326G>A, p.Pro1442= (LRG_1122t1).
Identifiers: ClinVar variation 507764 (VCV000507764.26), dbSNP rs376469653, ClinGen allele CA5340640.